The following is an entry in ClinVar:

NM_013247.5(HTRA2):c.329C>G (p.Ala110Gly)

Gene: HTRA2 (HtrA serine peptidase 2; plus strand). Cytogenetic location: 2p13.1.
Variant type: single nucleotide variant.
Coding change: c.329C>G on transcript NM_013247.5 (MANE Select); coding-DNA position 329, C replaced by G.
Protein change: p.Ala110Gly; replaces alanine 110 with glycine.
Molecular consequence: missense variant. On other transcripts: non-coding transcript variant (1).
Genome position (GRCh38, 1-based): chr2:74,530,335, C>G. VCF-style: chr2-74530335-C-G. GRCh37 (hg19) VCF-style: chr2-74757462-C-G.
Other names: c.329C>G, p.Ala110Gly (NM_001321727.1, NM_001321728.1, NM_145074.2); short protein forms A110G.
Identifiers: ClinVar variation 1901862 (VCV001901862.3), dbSNP rs1320432671, ClinGen allele CA347377690.

ClinVar aggregate classification (germline): Uncertain significance. Review status: criteria provided, multiple submitters, no conflicts (2 of 4 stars). 2 submissions from 2 submitters: Uncertain significance (2). Last evaluated 2025-08-30.

Conditions:
Inborn genetic diseases. Identifiers: MedGen C0950123, MeSH D030342.

Allele frequency attached by ClinVar (database versions not stated): gnomAD 0.00001; TOPMed 0.00001.

Submissions (2):

Ambry Genetics
Classification: Uncertain significance for Inborn genetic diseases. Last evaluated: 2025-08-30. Review status: criteria provided, single submitter. Criteria: Ambry Variant Classification Scheme 2023. Collection method: clinical testing. Allele origin: germline.

Labcorp Genetics (formerly Invitae), Labcorp
Classification: Uncertain significance. Last evaluated: 2022-04-01. Review status: criteria provided, single submitter. Criteria: Invitae Variant Classification Sherloc (09022015). Collection method: clinical testing. Allele origin: germline.
Comment: This sequence change replaces alanine, which is neutral and non-polar, with glycine, which is neutral and non-polar, at codon 110 of the HTRA2 protein (p.Ala110Gly). The frequency data for this variant in the population databases is considered unreliable, as metrics indicate poor data quality at this position in the gnomAD database. This variant has not been reported in the literature in individuals affected with HTRA2-related conditions. Algorithms developed to predict the effect of missense changes on protein structure and function (SIFT, PolyPhen-2, Align-GVGD) all suggest that this variant is likely to be tolerated. In summary, the available evidence is currently insufficient to determine the role of this variant in disease. Therefore, it has been classified as a Variant of Uncertain Significance.